The following is an entry in ClinVar:

NM_000038.6(APC):c.4970T>C (p.Leu1657Pro)

Gene: APC (APC regulator of Wnt signaling pathway; plus strand). Cytogenetic location: 5q22.2.
Variant type: single nucleotide variant.
Coding change: c.4970T>C on transcript NM_000038.6 (MANE Select); coding-DNA position 4970, T replaced by C.
Protein change: p.Leu1657Pro; replaces leucine 1657 with proline.
Molecular consequence: missense variant. On other transcripts: non-coding transcript variant (2).
Genome position (GRCh38, 1-based): chr5:112,840,564, T>C. VCF-style: chr5-112840564-T-C. GRCh37 (hg19) VCF-style: chr5-112176261-T-C.
Other names: c.4667T>C, p.Leu1556Pro (NM_001407459.1, NM_001407458.1, NM_001354903.2 and 1 more transcripts); c.4721T>C, p.Leu1574Pro (NM_001407456.1, NM_001407455.1, NM_001407457.1 and 1 more transcripts); c.4970T>C, p.Leu1657Pro (NM_001127510.3, NM_001354895.2, NM_001407450.1); c.4916T>C, p.Leu1639Pro (NM_001127511.3); c.5024T>C, p.Leu1675Pro (NM_001354896.2, NM_001407447.1, NM_001407448.1 and 1 more transcripts); c.5000T>C, p.Leu1667Pro (NM_001354897.2); c.4895T>C, p.Leu1632Pro (NM_001354898.2); c.4886T>C, p.Leu1629Pro (NM_001354899.2); and 11 more; short protein forms L1273P, L1374P, L1497P, L1528P, L1531P, L1556P, L1566P, L1574P.
Identifiers: ClinVar variation 4801489 (VCV004801489.1).

ClinVar aggregate classification (germline): Uncertain significance (1 of 4 stars; one submission).

Conditions:
Familial adenomatous polyposis 1 (FAP1). Also called: FAMILIAL ADENOMATOUS POLYPOSIS 1, ATTENUATED; POLYPOSIS, ADENOMATOUS INTESTINAL. Identifiers: MedGen C2713442, MONDO:0021056, OMIM 175100. Disease mechanism: loss of function.

Submission:

Labcorp Genetics (formerly Invitae), Labcorp
Classification: Uncertain significance for Familial adenomatous polyposis 1. Last evaluated: 2025-11-02. Review status: criteria provided, single submitter. Criteria: Invitae Variant Classification Sherloc (09022015). Collection method: clinical testing. Allele origin: germline.
Comment: This sequence change replaces leucine, which is neutral and non-polar, with proline, which is neutral and non-polar, at codon 1657 of the APC protein (p.Leu1657Pro). This variant is not present in population databases (gnomAD no frequency). This variant has not been reported in the literature in individuals affected with APC-related conditions. Invitae Evidence Modeling of protein sequence and biophysical properties (such as structural, functional, and spatial information, amino acid conservation, physicochemical variation, residue mobility, and thermodynamic stability) indicates that this missense variant is not expected to disrupt APC protein function with a negative predictive value of 95%. In summary, the available evidence is currently insufficient to determine the role of this variant in disease. Therefore, it has been classified as a Variant of Uncertain Significance.